The following is an entry in ClinVar:

NM_000090.4(COL3A1):c.2092_2093delinsAG (p.Ala698Ser)

Gene: COL3A1 (collagen type III alpha 1 chain; plus strand). Cytogenetic location: 2q32.2.
Variant type: Indel.
Coding change: c.2092_2093delinsAG on transcript NM_000090.4 (MANE Select); coding-DNA positions 2092 to 2093, GC replaced by AG.
Protein change: p.Ala698Ser; replaces alanine 698 with serine.
Molecular consequence: missense variant.
Genome position (GRCh38, 1-based): chr2:188,999,354-188,999,355, GC replaced by AG. VCF-style: chr2-188999354-GC-AG. GRCh37 (hg19) VCF-style: chr2-189864080-GC-AG.
Other names: short protein forms A698S.
Identifiers: ClinVar variation 3894274 (VCV003894274.1).

ClinVar aggregate classification (germline): Uncertain significance (1 of 4 stars; one submission).

Conditions:
Familial thoracic aortic aneurysm and aortic dissection (TAAD). Also called: Thoracic aortic aneurysms and dissections. Identifiers: Orphanet 91387, MedGen C4707243, MONDO:0019625.

Submission:

Color Diagnostics, LLC DBA Color Health
Classification: Uncertain significance for Familial thoracic aortic aneurysm and aortic dissection. Last evaluated: 2025-03-24. Review status: criteria provided, single submitter. Criteria: ACMG Guidelines, 2015. Collection method: clinical testing. Allele origin: germline.
Comment: This missense variant replaces alanine with serine at codon 698 of the COL3A1 protein. To our knowledge, functional studies have not been reported for this variant. This variant has not been reported in individuals affected with COL3A1-related disorders in the literature. This variant has not been identified in the general population by the Genome Aggregation Database (gnomAD). The available evidence is insufficient to determine the role of this variant in disease conclusively. Therefore, this variant is classified as a Variant of Uncertain Significance.